The following is an entry in ClinVar:

NM_014290.3(TDRD7):c.33A>G (p.Leu11=)

Gene: TDRD7 (tudor domain containing 7; plus strand). Cytogenetic location: 9q22.33.
Variant type: single nucleotide variant.
Coding change: c.33A>G on transcript NM_014290.3 (MANE Select); coding-DNA position 33, A replaced by G.
Protein change: p.Leu11=; no amino-acid change (leucine 11 retained).
Molecular consequence: synonymous variant. On other transcripts: intron variant (1).
Genome position (GRCh38, 1-based): chr9:97,428,498, A>G. VCF-style: chr9-97428498-A-G. GRCh37 (hg19) VCF-style: chr9-100190780-A-G.
Other names: c.-15-2435A>G (NM_001302884.2).
Identifiers: ClinVar variation 260382 (VCV000260382.18), dbSNP rs1381532, ClinGen allele CA5146344.
Genomic context (GRCh38, chr9:97,428,498, plus strand): 5'-ACCTTCTACTGTGTTCTTATAGGCAAAGATGCTGGAAGGAGATCTGGTTTCAAAGATGCT[A>G]CGAGCTGTTCTGCAGTCTCATAAGAATGGAGTAGCATTACCCCGGCTCCAAGGAGAGTAC-3'
Protein context (NP_055105.2, residues 1-21): MLEGDLVSKM[Leu11=]RAVLQSHKNG

ClinVar aggregate classification (germline): Benign. Review status: criteria provided, multiple submitters, no conflicts (2 of 4 stars). 6 submissions from 6 submitters: Benign (6). Last evaluated 2026-01-28.

Conditions:
Cataract 36. Identifiers: MedGen C3151304, MONDO:0013484, OMIM 613887.

Allele frequency attached by ClinVar (database versions not stated): gnomAD exomes 0.48851 and 0.50807; ExAC 0.50748; ESP Exome Variant Server 0.51930; gnomAD 0.53218 and 0.53541; TOPMed 0.53979; 1000 Genomes Project 30x 0.54357; 1000 Genomes Project 0.54493.
gnomAD v4.1: 794,852 of 1,613,556 alleles (49%); highest among the groups gnomAD compares: African/African-American, 61%; 197,663 homozygotes.

Submissions (6):

Labcorp Genetics (formerly Invitae), Labcorp
Classification: Benign for Cataract 36. Last evaluated: 2026-01-28. Review status: criteria provided, single submitter. Criteria: Invitae Variant Classification Sherloc (09022015). Collection method: clinical testing. Allele origin: germline.

Genome-Nilou Lab
Classification: Benign for Cataract 36. Last evaluated: 2021-07-15. Review status: criteria provided, single submitter. Criteria: ACMG Guidelines, 2015. Collection method: clinical testing. Allele origin: germline. Affected: no.

GeneDx
Classification: Benign. Last evaluated: 2018-03-24. Review status: criteria provided, single submitter. Criteria: GeneDx Variant Classification (06012015). Collection method: clinical testing. Allele origin: germline. Affected: yes.
Comment: This variant is considered likely benign or benign based on one or more of the following criteria: it is a conservative change, it occurs at a poorly conserved position in the protein, it is predicted to be benign by multiple in silico algorithms, and/or has population frequency not consistent with disease.

Illumina Laboratory Services, Illumina
Classification: Benign for Cataract 36. Last evaluated: 2018-01-13. Review status: criteria provided, single submitter. Criteria: ICSL Variant Classification Criteria 13 December 2019. Collection method: clinical testing. Allele origin: germline.
Comment: This variant was observed in the ICSL laboratory as part of a predisposition screen in an ostensibly healthy population. It had not been previously curated by ICSL or reported in the Human Gene Mutation Database (HGMD: prior to June 1st, 2018), and was therefore a candidate for classification through an automated scoring system. Utilizing variant allele frequency, disease prevalence and penetrance estimates, and inheritance mode, an automated score was calculated to assess if this variant is too frequent to cause the disease. Based on the score and internal cut-off values, a variant classified as benign is not then subjected to further curation. The score for this variant resulted in a classification of benign for this disease.

Breakthrough Genomics
Classification: Benign. Review status: criteria provided, single submitter. Criteria: ACMG Guidelines, 2015. Collection method: not provided. Allele origin: germline. Inheritance: Autosomal recessive inheritance. Affected: yes.

PreventionGenetics, part of Exact Sciences
Classification: Benign. Review status: criteria provided, single submitter. Criteria: ACMG Guidelines, 2015. Collection method: clinical testing. Allele origin: germline.